The following is an entry in ClinVar:

ClinVar aggregate classification (germline): Uncertain significance. Review status: criteria provided, multiple submitters, no conflicts (2 of 4 stars). 2 submissions from 2 submitters: Uncertain significance (2). Last evaluated 2025-04-09.

Conditions:
Cardiovascular phenotype. Identifiers: MedGen CN230736.

gnomAD v4.1: 1 of 1,614,206 alleles (0.000062%); highest among the groups gnomAD compares: Non-Finnish European, 0.000085%; no homozygotes.

Submissions (2):

Molecular Diagnostic Laboratory for Inherited Cardiovascular Disease, Montreal Heart Institute
Classification: Uncertain significance for Cardiovascular phenotype. Last evaluated: 2025-04-09. Review status: criteria provided, single submitter. Criteria: ACMG Guidelines, 2015. Collection method: clinical testing. Allele origin: germline. Affected: yes.
Comment: PM2

Blueprint Genetics
Classification: Uncertain significance. Last evaluated: 2024-01-09. Review status: criteria provided, single submitter. Criteria: ACMG Guidelines, 2015. Collection method: clinical testing. Allele origin: germline.

NM_003239.5(TGFB3):c.347A>G (p.Glu116Gly)

Gene: TGFB3 (transforming growth factor beta 3; minus strand). Cytogenetic location: 14q24.3.
Variant type: single nucleotide variant.
Coding change: c.347A>G on transcript NM_003239.5 (MANE Select); coding-DNA position 347, A replaced by G.
Protein change: p.Glu116Gly; replaces glutamic acid 116 with glycine.
Molecular consequence: missense variant.
Genome position (GRCh38, 1-based): chr14:75,980,547, T>C on the plus strand (A>G on the coding strand, the complement: TGFB3 is on the minus strand). VCF-style: chr14-75980547-T-C. GRCh37 (hg19) VCF-style: chr14-76446890-T-C.
Other names: c.347A>G, p.Glu116Gly (NM_001329938.2, NM_001329939.2); short protein forms E116G.
Identifiers: ClinVar variation 3895243 (VCV003895243.2), dbSNP rs1411673111.